The following is an entry in ClinVar:

NM_020806.5(GPHN):c.564C>G (p.Ser188=)

Gene: GPHN (gephyrin; plus strand). Cytogenetic location: 14q23.3.
Variant type: single nucleotide variant.
Coding change: c.564C>G on transcript NM_020806.5 (MANE Select); coding-DNA position 564, C replaced by G.
Protein change: p.Ser188=; no amino-acid change (serine 188 retained).
Molecular consequence: synonymous variant.
Genome position (GRCh38, 1-based): chr14:66,922,773, C>G. VCF-style: chr14-66922773-C-G. GRCh37 (hg19) VCF-style: chr14-67389490-C-G.
Other names: c.564C>G, p.Ser188= (NM_001024218.2, NM_001377515.1, NM_001377516.1 and 2 more transcripts); c.603C>G, p.Ser201= (NM_001377514.1, NM_001377519.1).
Identifiers: ClinVar variation 1613414 (VCV001613414.32), dbSNP rs772179756, ClinGen allele CA7233784.
Genomic context (GRCh38, chr14:66,922,773, plus strand): 5'-TTTACGTGATGCCATTGTAAAAGTAAAGGAGGTGCATGATGAACTTGAAGATTTGCCTTC[C>G]CCACCTCCCCCTCTTTCCCCTCCTCCTACTACCAGCCCCCATAAACAGACAGAAGACAAA-3'
Protein context (NP_065857.1, residues 178-198): EVHDELEDLP[Ser188=]PPPPLSPPPT

ClinVar aggregate classification (germline): Likely benign. Review status: criteria provided, multiple submitters, no conflicts (2 of 4 stars). 2 submissions from 2 submitters: Likely benign (2). Last evaluated 2023-10-16.

Conditions:
Sulfite oxidase deficiency due to molybdenum cofactor deficiency type C. Also called: Molybdenum cofactor deficiency C; Molybdenum cofactor deficiency, complementation group C. Identifiers: Orphanet 308400, Orphanet 833, MedGen C1854990, MONDO:0014212, OMIM 615501.

Allele frequency attached by ClinVar (database versions not stated): gnomAD 0.00002 and 0.00003; gnomAD exomes 0.00002; ExAC 0.00003.
gnomAD v4.1: 31 of 1,613,570 alleles (0.0019%); highest among the groups gnomAD compares: Non-Finnish European, 0.0025%; no homozygotes.

Submissions (2):

Labcorp Genetics (formerly Invitae), Labcorp
Classification: Likely benign for Sulfite oxidase deficiency due to molybdenum cofactor deficiency type C. Last evaluated: 2023-10-16. Review status: criteria provided, single submitter. Criteria: Invitae Variant Classification Sherloc (09022015). Collection method: clinical testing. Allele origin: germline.

CeGaT Center for Human Genetics Tuebingen
Classification: Likely benign. Last evaluated: 2022-03-01. Review status: criteria provided, single submitter. Criteria: CeGaT Center For Human Genetics Tuebingen Variant Classification Criteria Version 2. Collection method: clinical testing. Allele origin: germline. Affected: yes. Observed: 1 variant allele.
Comment: GPHN: BP4, BP7